The following is an entry in ClinVar:

NM_001244008.2(KIF1A):c.1710G>C (p.Glu570Asp)

Gene: KIF1A (kinesin family member 1A; minus strand). Cytogenetic location: 2q37.3.
Variant type: single nucleotide variant.
Coding change: c.1710G>C on transcript NM_001244008.2 (MANE Select); coding-DNA position 1710, G replaced by C.
Protein change: p.Glu570Asp; replaces glutamic acid 570 with aspartic acid.
Molecular consequence: missense variant.
Genome position (GRCh38, 1-based): chr2:240,765,768, C>G on the plus strand (G>C on the coding strand, the complement: KIF1A is on the minus strand). VCF-style: chr2-240765768-C-G. GRCh37 (hg19) VCF-style: chr2-241705185-C-G.
Other names: c.1710G>C, p.Glu570Asp (NM_001320705.2, NM_001330289.2, NM_001379638.1); c.1785G>C, p.Glu595Asp (NM_001330290.2, NM_001379631.1, NM_001379634.1 and 2 more transcripts); c.1683G>C, p.Glu561Asp (NM_001379632.1, NM_001379633.1, NM_001379636.1 and 10 more transcripts); c.1758G>C, p.Glu586Asp (NM_001379637.1, NM_001379648.1); short protein forms E595D, E561D, E570D, E586D.
Identifiers: ClinVar variation 4794114 (VCV004794114.1).

ClinVar aggregate classification (germline): Uncertain significance (1 of 4 stars; one submission).

Conditions:
Neuropathy, hereditary sensory, type 2C. Also called: KIF1A-Related HSAN2 (HSAN2C); Hereditary sensory and autonomic neuropathy type IIC. Identifiers: Orphanet 970, MedGen C3280168, MONDO:0013634, OMIM 614213.
Hereditary spastic paraplegia 30. Identifiers: Orphanet 101010, MedGen C5235139, MONDO:0012476.
Intellectual disability, autosomal dominant 9 (NESCAVS). Also called: KIF1A-Related Neurodevelopmental Disorder; NESCAV SYNDROME. Identifiers: Orphanet 662367, MedGen C5393830, MONDO:0013656, OMIM 614255.

Submission:

Labcorp Genetics (formerly Invitae), Labcorp
Classification: Uncertain significance for Hereditary spastic paraplegia 30; Neuropathy, hereditary sensory, type 2C; Intellectual disability, autosomal dominant 9. Last evaluated: 2025-09-06. Review status: criteria provided, single submitter. Criteria: Invitae Variant Classification Sherloc (09022015). Collection method: clinical testing. Allele origin: germline.
Comment: This sequence change replaces glutamic acid, which is acidic and polar, with aspartic acid, which is acidic and polar, at codon 561 of the KIF1A protein (p.Glu561Asp). This variant is not present in population databases (gnomAD no frequency). This variant has not been reported in the literature in individuals affected with KIF1A-related conditions. Invitae Evidence Modeling of protein sequence and biophysical properties (such as structural, functional, and spatial information, amino acid conservation, physicochemical variation, residue mobility, and thermodynamic stability) has been performed for this missense variant. However, the output from this modeling did not meet the statistical confidence thresholds required to predict the impact of this variant on KIF1A protein function. In summary, the available evidence is currently insufficient to determine the role of this variant in disease. Therefore, it has been classified as a Variant of Uncertain Significance.